The following is an entry in ClinVar:

NM_000384.3(APOB):c.12991G>T (p.Asp4331Tyr)

Gene: APOB (apolipoprotein B; minus strand). Cytogenetic location: 2p24.1.
Variant type: single nucleotide variant.
Coding change: c.12991G>T on transcript NM_000384.3 (MANE Select); coding-DNA position 12991, G replaced by T.
Protein change: p.Asp4331Tyr; replaces aspartic acid 4331 with tyrosine.
Molecular consequence: missense variant.
Genome position (GRCh38, 1-based): chr2:21,002,431, C>A on the plus strand (G>T on the coding strand, the complement: APOB is on the minus strand). VCF-style: chr2-21002431-C-A. GRCh37 (hg19) VCF-style: chr2-21225303-C-A.
Other names: short protein forms D4331Y.
Identifiers: ClinVar variation 1769275 (VCV001769275.2), dbSNP rs1663009379, ClinGen allele CA345969926.

ClinVar aggregate classification (germline): Uncertain significance (1 of 4 stars; one submission).

Conditions:
Cardiovascular phenotype. Identifiers: MedGen CN230736.

Submission:

Ambry Genetics
Classification: Uncertain significance for Cardiovascular phenotype. Last evaluated: 2022-03-09. Review status: criteria provided, single submitter. Criteria: Ambry Variant Classification Scheme 2023. Collection method: clinical testing. Allele origin: germline.
Comment: The p.D4331Y variant (also known as c.12991G>T), located in coding exon 29 of the APOB gene, results from a G to T substitution at nucleotide position 12991. The aspartic acid at codon 4331 is replaced by tyrosine, an amino acid with highly dissimilar properties. This amino acid position is conserved. In addition, this alteration is predicted to be tolerated by in silico analysis. Since supporting evidence is limited at this time, the clinical significance of this alteration remains unclear.